The following is an entry in ClinVar:

ClinVar aggregate classification (germline): Uncertain significance (1 of 4 stars; one submission).

Conditions:
RASopathy. Also called: Noonan spectrum disorder; rasopathies. Identifiers: Orphanet 536391, MedGen C5555857, MONDO:0021060.

Allele frequency attached by ClinVar (database versions not stated): gnomAD exomes below 0.00001; TOPMed below 0.00001.

Submission:

Labcorp Genetics (formerly Invitae), Labcorp
Classification: Uncertain significance for RASopathy. Last evaluated: 2025-03-31. Review status: criteria provided, single submitter. Criteria: Invitae Variant Classification Sherloc (09022015). Collection method: clinical testing. Allele origin: germline.
Comment: This sequence change replaces alanine, which is neutral and non-polar, with threonine, which is neutral and polar, at codon 76 of the CBL protein (p.Ala76Thr). This variant is present in population databases (no rsID available, gnomAD 0.0009%). This variant has not been reported in the literature in individuals affected with CBL-related conditions. ClinVar contains an entry for this variant (Variation ID: 942755). Invitae Evidence Modeling of protein sequence and biophysical properties (such as structural, functional, and spatial information, amino acid conservation, physicochemical variation, residue mobility, and thermodynamic stability) indicates that this missense variant is not expected to disrupt CBL protein function with a negative predictive value of 95%. In summary, the available evidence is currently insufficient to determine the role of this variant in disease. Therefore, it has been classified as a Variant of Uncertain Significance.

NM_005188.4(CBL):c.226G>A (p.Ala76Thr)

Gene: CBL (Cbl proto-oncogene; plus strand). Cytogenetic location: 11q23.3.
Variant type: single nucleotide variant.
Coding change: c.226G>A on transcript NM_005188.4 (MANE Select); coding-DNA position 226, G replaced by A.
Protein change: p.Ala76Thr; replaces alanine 76 with threonine.
Molecular consequence: missense variant.
Genome position (GRCh38, 1-based): chr11:119,232,478, G>A. VCF-style: chr11-119232478-G-A. GRCh37 (hg19) VCF-style: chr11-119103188-G-A.
Other names: short protein forms A76T.
Identifiers: ClinVar variation 942755 (VCV000942755.9), dbSNP rs1483168332, ClinGen allele CA382894186.
Genomic context (GRCh38, chr11:119,232,478, plus strand): 5'-GTAATAGCCCTTCTTTTTCATTTGTTGCAGGTGGTGCGGTTGTGTCAGAACCCAAAGCTG[G>A]CGCTAAAGAATAGCCCACCTTATATCTTAGACCTGCTACCAGATACCTACCAGCATCTCC-3'
Protein context (NP_005179.2, residues 66-86): VVRLCQNPKL[Ala76Thr]LKNSPPYILD